The following is an entry in ClinVar:

NM_004744.5(LRAT):c.49CTC[1] (p.Leu18del)

Gene: LRAT (lecithin retinol acyltransferase; plus strand). Cytogenetic location: 4q32.1.
Variant type: Microsatellite.
Coding change: c.49CTC[1] on transcript NM_004744.5 (MANE Select); one copy of the 3-base unit CTC starting at c.49; the reference has two copies in a row; one copy, 3 bases deleted.
Protein change: p.Leu18del; deletes leucine 18.
Molecular consequence: inframe deletion.
Genome position (GRCh38, 1-based): chr4:154,744,378-154,744,380, CTC deleted; deleting any 3 consecutive bases within chr4:154,744,375-154,744,380 gives the same sequence; the position shown is the placement nearest the transcript's 3' end. VCF-style (leftmost placement, unchanged base first): chr4-154744374-GCTC-G. GRCh37 (hg19) VCF-style: chr4-155665526-GCTC-G.
Other names: c.49CTC[1], p.Leu18del (NM_001301645.2); short protein forms L18del.
Identifiers: ClinVar variation 2126558 (VCV002126558.2), dbSNP rs1394954476, ClinGen allele CA555836688.

ClinVar aggregate classification (germline): Uncertain significance (1 of 4 stars; one submission).

Submission:

Labcorp Genetics (formerly Invitae), Labcorp
Classification: Uncertain significance. Last evaluated: 2024-07-03. Review status: criteria provided, single submitter. Criteria: Invitae Variant Classification Sherloc (09022015). Collection method: clinical testing. Allele origin: germline.
Comment: This variant, c.52_54del, results in the deletion of 1 amino acid(s) of the LRAT protein (p.Leu18del), but otherwise preserves the integrity of the reading frame. This variant is present in population databases (no rsID available, gnomAD 0.01%). This variant has not been reported in the literature in individuals affected with LRAT-related conditions. Experimental studies and prediction algorithms are not available or were not evaluated, and the functional significance of this variant is currently unknown. In summary, the available evidence is currently insufficient to determine the role of this variant in disease. Therefore, it has been classified as a Variant of Uncertain Significance.